The following is an entry in ClinVar:

NM_006876.3(B4GAT1):c.514G>C (p.Glu172Gln)

Gene: B4GAT1 (beta-1,4-glucuronyltransferase 1; minus strand). Cytogenetic location: 11q13.2.
Variant type: single nucleotide variant.
Coding change: c.514G>C on transcript NM_006876.3 (MANE Select); coding-DNA position 514, G replaced by C.
Protein change: p.Glu172Gln; replaces glutamic acid 172 with glutamine.
Molecular consequence: missense variant.
Genome position (GRCh38, 1-based): chr11:66,347,032, C>G on the plus strand (G>C on the coding strand, the complement: B4GAT1 is on the minus strand). VCF-style: chr11-66347032-C-G. GRCh37 (hg19) VCF-style: chr11-66114503-C-G.
Other names: short protein forms E172Q.
Identifiers: ClinVar variation 664063 (VCV000664063.8), dbSNP rs761732914, ClinGen allele CA381418230.

ClinVar aggregate classification (germline): Uncertain significance (1 of 4 stars; one submission).

Conditions:
Muscular dystrophy-dystroglycanopathy (congenital with brain and eye anomalies), type A13. Also called: WALKER-WARBURG SYNDROME OR MUSCLE-EYE-BRAIN DISEASE, B3GNT1-RELATED; Muscular dystrophy-dystroglycanopathy (congenital with brain and eye anomalies), type a, 13. Identifiers: Orphanet 899, MedGen C3809042, MONDO:0014120, OMIM 615287.

Submission:

Labcorp Genetics (formerly Invitae), Labcorp
Classification: Uncertain significance for Muscular dystrophy-dystroglycanopathy (congenital with brain and eye anomalies), type A13. Last evaluated: 2018-08-26. Review status: criteria provided, single submitter. Criteria: Invitae Variant Classification Sherloc (09022015). Collection method: clinical testing. Allele origin: germline.
Comment: This sequence change replaces glutamic acid with glutamine at codon 172 of the B4GAT1 protein (p.Glu172Gln). The glutamic acid residue is moderately conserved and there is a small physicochemical difference between glutamic acid and glutamine. This variant is not present in population databases (ExAC no frequency). This variant has not been reported in the literature in individuals with B4GAT1-related disease. Algorithms developed to predict the effect of missense changes on protein structure and function are either unavailable or do not agree on the potential impact of this missense change (SIFT: "Deleterious"; PolyPhen-2: "Possibly Damaging"; Align-GVGD: "Class C0"). In summary, the available evidence is currently insufficient to determine the role of this variant in disease. Therefore, it has been classified as a Variant of Uncertain Significance.